The following is an entry in ClinVar:

NM_000069.3(CACNA1S):c.1674C>A (p.Ser558=)

Gene: CACNA1S (calcium voltage-gated channel subunit alpha1 S; minus strand). Cytogenetic location: 1q32.1.
Variant type: single nucleotide variant.
Coding change: c.1674C>A on transcript NM_000069.3 (MANE Select); coding-DNA position 1674, C replaced by A.
Protein change: p.Ser558=; no amino-acid change (serine 558 retained).
Molecular consequence: synonymous variant.
Genome position (GRCh38, 1-based): chr1:201,077,073, G>T on the plus strand (C>A on the coding strand, the complement: CACNA1S is on the minus strand). VCF-style: chr1-201077073-G-T. GRCh37 (hg19) VCF-style: chr1-201046201-G-T.
Identifiers: ClinVar variation 3069402 (VCV003069402.1), dbSNP rs761464784, ClinGen allele CA078514.
Genomic context (GRCh38, chr1:201,077,073, plus strand): 5'-CATGCCCAGGAGGGCGAAGATGACGATGAAGAGGAAGAGCAGCAGCAGCAGGGAGGCGAT[G>T]GAGCGGATGGAGTTGAGCAGGGATGCCACCAGGTTGCTCAGCGACGTCCAATATCTGAAG-3'
Protein context (NP_000060.2, residues 548-568): LVASLLNSIR[Ser558=]IASLLLLLFL

ClinVar aggregate classification (germline): Likely benign (1 of 4 stars; one submission).

Conditions:
Malignant hyperthermia, susceptibility to, 5 (MHS5). Also called: CACNA1S-Related Malignant Hyperthermia Susceptibility. Identifiers: Orphanet 423, MedGen C1866077, MONDO:0011163, OMIM 601887.

Allele frequency attached by ClinVar (database versions not stated): ExAC 0.00001.

Submission:

All of Us Research Program, National Institutes of Health
Classification: Likely benign for Malignant hyperthermia, susceptibility to, 5. Last evaluated: 2023-02-15. Review status: criteria provided, single submitter. Criteria: ACMG Guidelines, 2015. Collection method: clinical testing. Allele origin: germline. Inheritance: Autosomal dominant inheritance. Observed: 1 variant allele, 1 heterozygote.
Comment: This study involves interpretation of variants in research participants for the purpose of population health screening. Participant phenotype was not available at the time of variant classification. Additional details can be found in publication PMID: 35346344, PMCID: PMC8962531